The following is an entry in ClinVar:

ClinVar aggregate classification (germline): Uncertain significance (1 of 4 stars; one submission).

Submission:

GeneDx
Classification: Uncertain significance. Last evaluated: 2024-04-16. Review status: criteria provided, single submitter. Criteria: GeneDx Variant Classification Process June 2021. Collection method: clinical testing. Allele origin: germline. Affected: yes.
Comment: Not observed at significant frequency in large population cohorts (gnomAD); In silico analysis supports that this missense variant has a deleterious effect on protein structure/function; Has not been previously published as pathogenic or benign to our knowledge

NM_006516.4(SLC2A1):c.701C>T (p.Thr234Ile)

Gene: SLC2A1 (solute carrier family 2 member 1; minus strand). Cytogenetic location: 1p34.2.
Variant type: single nucleotide variant.
Coding change: c.701C>T on transcript NM_006516.4 (MANE Select); coding-DNA position 701, C replaced by T.
Protein change: p.Thr234Ile; replaces threonine 234 with isoleucine.
Molecular consequence: missense variant.
Genome position (GRCh38, 1-based): chr1:42,929,759, G>A on the plus strand (C>T on the coding strand, the complement: SLC2A1 is on the minus strand). VCF-style: chr1-42929759-G-A. GRCh37 (hg19) VCF-style: chr1-43395430-G-A.
Other names: short protein forms T234I.
Identifiers: ClinVar variation 1196304 (VCV001196304.3), dbSNP rs2124449068, ClinGen allele CA339958226.